The following is an entry in ClinVar:

NM_000057.4(BLM):c.1262C>G (p.Ala421Gly)

Gene: BLM (BLM RecQ like helicase; plus strand). Cytogenetic location: 15q26.1.
Variant type: single nucleotide variant.
Coding change: c.1262C>G on transcript NM_000057.4 (MANE Select); coding-DNA position 1262, C replaced by G.
Protein change: p.Ala421Gly; replaces alanine 421 with glycine.
Molecular consequence: missense variant.
Genome position (GRCh38, 1-based): chr15:90,760,635, C>G. VCF-style: chr15-90760635-C-G. GRCh37 (hg19) VCF-style: chr15-91303865-C-G.
Other names: c.1262C>G, p.Ala421Gly (NM_001287246.2, NM_001287247.2); c.137C>G, p.Ala46Gly (NM_001287248.2); short protein forms A46G, A421G.
Identifiers: ClinVar variation 2819594 (VCV002819594.3), dbSNP rs1895947508, ClinGen allele CA393842680.

ClinVar aggregate classification (germline): Uncertain significance (1 of 4 stars; one submission).

Conditions:
Bloom syndrome (BLM). Also called: Bloom-Torre-Machacek syndrome. Identifiers: Orphanet 125, MedGen C0005859, MONDO:0008876, OMIM 210900.

Submission:

Labcorp Genetics (formerly Invitae), Labcorp
Classification: Uncertain significance for Bloom syndrome. Last evaluated: 2022-12-09. Review status: criteria provided, single submitter. Criteria: Invitae Variant Classification Sherloc (09022015). Collection method: clinical testing. Allele origin: germline.
Comment: Advanced modeling of protein sequence and biophysical properties (such as structural, functional, and spatial information, amino acid conservation, physicochemical variation, residue mobility, and thermodynamic stability) performed at Invitae indicates that this missense variant is not expected to disrupt BLM protein function. In summary, the available evidence is currently insufficient to determine the role of this variant in disease. Therefore, it has been classified as a Variant of Uncertain Significance. This variant has not been reported in the literature in individuals affected with BLM-related conditions. This variant is not present in population databases (gnomAD no frequency). This sequence change replaces alanine, which is neutral and non-polar, with glycine, which is neutral and non-polar, at codon 421 of the BLM protein (p.Ala421Gly).